The following is an entry in ClinVar:

ClinVar aggregate classification (germline): Uncertain significance (1 of 4 stars; one submission).

Conditions:
Nephronophthisis. Also called: Juvenile Nephronophthisis. Identifiers: Orphanet 655, MedGen C0687120, MONDO:0019005, HP:0000090.
Jeune thoracic dystrophy. Also called: Jeune syndrome; Short-rib thoracic dysplasia; Infantile thoracic dystrophy; Thoracic pelvic phalangeal dystrophy; Jeune's syndrome; Chondroectodermal dysplasia-like syndrome. Identifiers: Orphanet 474, MedGen C0265275, MONDO:0018770.

Allele frequency attached by ClinVar (database versions not stated): gnomAD exomes below 0.00001 and 0.00001; gnomAD 0.00001; TOPMed 0.00001.
gnomAD v4.1: 12 of 1,612,876 alleles (0.00074%); highest among the groups gnomAD compares: Non-Finnish European, 0.00085%; no homozygotes.

Submission:

Labcorp Genetics (formerly Invitae), Labcorp
Classification: Uncertain significance for Jeune thoracic dystrophy; Nephronophthisis. Last evaluated: 2024-10-29. Review status: criteria provided, single submitter. Criteria: Invitae Variant Classification Sherloc (09022015). Collection method: clinical testing. Allele origin: germline.
Comment: This sequence change replaces histidine, which is basic and polar, with arginine, which is basic and polar, at codon 426 of the TTC21B protein (p.His426Arg). This variant is present in population databases (no rsID available, gnomAD 0.0009%). This variant has not been reported in the literature in individuals affected with TTC21B-related conditions. ClinVar contains an entry for this variant (Variation ID: 1498409). Invitae Evidence Modeling of protein sequence and biophysical properties (such as structural, functional, and spatial information, amino acid conservation, physicochemical variation, residue mobility, and thermodynamic stability) has been performed for this missense variant. However, the output from this modeling did not meet the statistical confidence thresholds required to predict the impact of this variant on TTC21B protein function. In summary, the available evidence is currently insufficient to determine the role of this variant in disease. Therefore, it has been classified as a Variant of Uncertain Significance.

NM_024753.5(TTC21B):c.1277A>G (p.His426Arg)

Gene: TTC21B (tetratricopeptide repeat domain 21B; minus strand). Cytogenetic location: 2q24.3.
Variant type: single nucleotide variant.
Coding change: c.1277A>G on transcript NM_024753.5 (MANE Select); coding-DNA position 1277, A replaced by G.
Protein change: p.His426Arg; replaces histidine 426 with arginine.
Molecular consequence: missense variant.
Genome position (GRCh38, 1-based): chr2:165,929,244, T>C on the plus strand (A>G on the coding strand, the complement: TTC21B is on the minus strand). VCF-style: chr2-165929244-T-C. GRCh37 (hg19) VCF-style: chr2-166785754-T-C.
Other names: short protein forms H426R.
Identifiers: ClinVar variation 1498409 (VCV001498409.8), dbSNP rs981361200, ClinGen allele CA59805987.